The following is an entry in ClinVar:

ClinVar aggregate classification (germline): Uncertain significance (1 of 4 stars; one submission).

Allele frequency attached by ClinVar (database versions not stated): ExAC 0.00001; gnomAD 0.00002; TOPMed 0.00003; ESP Exome Variant Server 0.00008.
gnomAD v4.1: 3 of 1,611,702 alleles (0.00019%); highest among the groups gnomAD compares: African/African-American, 0.0027%; no homozygotes.

Submission:

Labcorp Genetics (formerly Invitae), Labcorp
Classification: Uncertain significance. Last evaluated: 2025-03-10. Review status: criteria provided, single submitter. Criteria: Invitae Variant Classification Sherloc (09022015). Collection method: clinical testing. Allele origin: germline.
Comment: This sequence change replaces glycine, which is neutral and non-polar, with serine, which is neutral and polar, at codon 32 of the WNT3 protein (p.Gly32Ser). This variant is present in population databases (rs370016891, gnomAD 0.008%). This variant has not been reported in the literature in individuals affected with WNT3-related conditions. ClinVar contains an entry for this variant (Variation ID: 2751989). An algorithm developed to predict the effect of missense changes on protein structure and function (PolyPhen-2) suggests that this variant is likely to be disruptive. In summary, the available evidence is currently insufficient to determine the role of this variant in disease. Therefore, it has been classified as a Variant of Uncertain Significance.

NM_030753.5(WNT3):c.94G>A (p.Gly32Ser)

Genes: LRRC37A2 (leucine rich repeat containing 37 member A2), WNT3 (Wnt family member 3; minus strand). Cytogenetic location: 17q21.31.
Variant type: single nucleotide variant.
Coding change: c.94G>A on transcript NM_030753.5 (MANE Select); coding-DNA position 94, G replaced by A.
Protein change: p.Gly32Ser; replaces glycine 32 with serine.
Molecular consequence: missense variant.
Genome position (GRCh38, 1-based): chr17:46,773,896, C>T on the plus strand (G>A on the coding strand, the complement: WNT3 is on the minus strand). VCF-style: chr17-46773896-C-T. GRCh37 (hg19) VCF-style: chr17-44851262-C-T.
Other names: short protein forms G32S.
Identifiers: ClinVar variation 2751989 (VCV002751989.3), dbSNP rs370016891, ClinGen allele CA8620673.
Genomic context (GRCh38, chr17:46,773,896, plus strand): 5'-CCAGGCCTGGGATGGAGCCGCAGAGCAGGGGCTGTGAGCCCAGAGATGTGTACTGCTGGC[C>T]CAGGGCCAGGGACCTGCAGGCAGACAGAGGGTAGTAACACTGTGGGCACAAAGCACAGAG-3'
Protein context (NP_110380.1, residues 22-42): GYPIWWSLAL[Gly32Ser]QQYTSLGSQP